The following is an entry in ClinVar:

NM_001143981.2(CHRDL1):c.301+2T>G

Gene: CHRDL1 (chordin like 1; minus strand). Cytogenetic location: Xq23.
Variant type: single nucleotide variant.
Coding change: c.301+2T>G on transcript NM_001143981.2 (MANE Select); the canonical splice donor site of the intron after coding-DNA position 301, T replaced by G.
Molecular consequence: splice donor variant.
Genome position (GRCh38, 1-based): chrX:110,759,659, A>C on the plus strand (T>G on the coding strand, the complement: CHRDL1 is on the minus strand). VCF-style: chrX-110759659-A-C. GRCh37 (hg19) VCF-style: chrX-110002887-A-C.
Other names: IVS4DS, T-G, +2; c.301+2T>G (NM_001143983.3, NM_001367207.1, NM_001143982.2 and 6 more transcripts).
Identifiers: ClinVar variation 29959 (VCV000029959.4), dbSNP rs587776868, ClinGen allele CA128794.

ClinVar aggregate classification (germline): Pathogenic. Review status: criteria provided, single submitter (1 of 4 stars). 2 submissions from 2 submitters: Pathogenic (1). 1 of the submissions does not count toward it.

Conditions:
Megalocornea. Also called: MGCN. Identifiers: MedGen C5574682, MONDO:0009576, OMIM 249300, HP:0000485.

Submissions (2):

Research Unit for Rare Diseases, 1st Faculty of Medicine, Charles University in Prague
Classification: Pathogenic for Megalocornea. Review status: criteria provided, single submitter. Criteria: ACMG Guidelines, 2015. Collection method: clinical testing. Allele origin: maternal. Inheritance: X-linked inheritance. Affected: yes. Observed: 1 variant allele, 1 hemizygote.
Comment: Previously published variant in Webb et al, 2012.

OMIM
Classification: Pathogenic for MEGALOCORNEA. Last evaluated: 2012-02-10. Review status: no assertion criteria provided. Collection method: literature only. Allele origin: germline. Not counted in ClinVar's aggregate classification.

Literature cited by the submitters: PubMed 22284829 (cited by Research Unit for Rare Diseases, 1st Faculty of Medicine, Charles University in Prague); Webb, T. R., Matarin, M., Gardner, J. C., Kelberman, D., Hassan, H., Ang, W., Michaelides, M., Ruddle, J. B., Pennell, C. E., Yazar, S., Khor, C. C., Aung, T., and 11 others X-linked megalocornea caused by mutations in CHRDL1 identifies an essential role for ventroptin in anterior segment development. Am. J. Hum. Genet. 90: 247-259, 2012. (cited by OMIM).